The following is an entry in ClinVar:

NM_016204.4(GDF2):c.1101T>A (p.Asp367Glu)

Gene: GDF2 (growth differentiation factor 2; plus strand). Cytogenetic location: 10q11.22.
Variant type: single nucleotide variant.
Coding change: c.1101T>A on transcript NM_016204.4 (MANE Select); coding-DNA position 1101, T replaced by A.
Protein change: p.Asp367Glu; replaces aspartic acid 367 with glutamic acid.
Molecular consequence: missense variant.
Genome position (GRCh38, 1-based): chr10:47,325,595, T>A. VCF-style: chr10-47325595-T-A. GRCh37 (hg19) VCF-style: chr10-48413767-A-T.
Other names: p.Asp367Glu; short protein forms D367E.
Identifiers: ClinVar variation 1792587 (VCV001792587.4), dbSNP rs1415249127, ClinGen allele CA376657894.
Genomic context (GRCh38, chr10:47,325,595, plus strand): 5'-ACCCAAGGAGTATGAAGCCTACGAGTGTAAGGGCGGCTGCTTCTTCCCCTTGGCTGACGA[T>A]GTGACGCCGACGAAACACGCTATCGTGCAGACCCTGGTGCATCTCAAGTTCCCCACAAAG-3'
Protein context (NP_057288.1, residues 357-377): KGGCFFPLAD[Asp367Glu]VTPTKHAIVQ

ClinVar aggregate classification (germline): Conflicting classifications of pathogenicity. Review status: criteria provided, conflicting classifications (1 of 4 stars). 3 submissions from 3 submitters: Uncertain significance (2); Likely benign (1). Last evaluated 2025-02-09.

Conditions:
Cardiovascular phenotype. Identifiers: MedGen CN230736.

gnomAD v4.1: 29 of 1,613,976 alleles (0.0018%); highest among the groups gnomAD compares: Non-Finnish European, 0.0025%; no homozygotes.

Submissions (3):

Mayo Clinic Laboratories, Mayo Clinic
Classification: Uncertain significance. Last evaluated: 2025-02-09. Review status: criteria provided, single submitter. Criteria: ACMG Guidelines, 2015. Collection method: clinical testing. Allele origin: germline. Observed: 1 variant allele.

Blueprint Genetics
Classification: Likely benign. Last evaluated: 2024-02-29. Review status: criteria provided, single submitter. Criteria: ACMG Guidelines, 2015. Collection method: clinical testing. Allele origin: germline.

Ambry Genetics
Classification: Uncertain significance for Cardiovascular phenotype. Last evaluated: 2017-08-17. Review status: criteria provided, single submitter. Criteria: Ambry Variant Classification Scheme 2023. Collection method: clinical testing. Allele origin: germline.
Comment: The p.D367E variant (also known as c.1101T>A), located in coding exon 2 of the GDF2 gene, results from a T to A substitution at nucleotide position 1101. The aspartic acid at codon 367 is replaced by glutamic acid, an amino acid with highly similar properties. This amino acid position is not well conserved in available vertebrate species. Since supporting evidence is limited at this time, the clinical significance of this alteration remains unclear.